The following is an entry in ClinVar:

NM_002474.3(MYH11):c.5585G>A (p.Arg1862His)

Genes: MYH11 (myosin heavy chain 11; minus strand), NDE1 (nudE neurodevelopment protein 1; plus strand). Cytogenetic location: 16p13.11.
Variant type: single nucleotide variant.
Coding change: c.5585G>A on transcript NM_002474.3 (MANE Select); coding-DNA position 5585, G replaced by A.
Protein change: p.Arg1862His; replaces arginine 1862 with histidine.
Molecular consequence: missense variant. On other transcripts: intron variant (2).
Genome position (GRCh38, 1-based): chr16:15,715,192, C>T on the plus strand (G>A on the coding strand, the complement: MYH11 is on the minus strand). VCF-style: chr16-15715192-C-T. GRCh37 (hg19) VCF-style: chr16-15809049-C-T.
Other names: p.R1862H:CGC>CAC; c.5606G>A, p.Arg1869His (NM_001040113.2, NM_001040114.2); c.5585G>A, p.Arg1862His (NM_022844.3); c.948-8999C>T (NM_001143979.2, NM_017668.3); short protein forms R1862H, R1869H.
Identifiers: ClinVar variation 201089 (VCV000201089.52), dbSNP rs146228576, ClinGen allele CA306610.

ClinVar aggregate classification (germline): Conflicting classifications of pathogenicity. Review status: criteria provided, conflicting classifications (1 of 4 stars). 10 submissions from 10 submitters: Uncertain significance (2); Benign (3); Likely benign (5). Last evaluated 2026-08-01.

Conditions:
Isolated thoracic aortic aneurysm.
Familial thoracic aortic aneurysm and aortic dissection (TAAD). Also called: Thoracic aortic aneurysms and dissections. Identifiers: Orphanet 91387, MedGen C4707243, MONDO:0019625.
Aortic aneurysm, familial thoracic 4 (AAT4). Also called: AORTIC ANEURYSM/AORTIC DISSECTION AND PATENT DUCTUS ARTERIOSUS. Identifiers: MedGen C1851504, MONDO:0007568, OMIM 132900.

Allele frequency attached by ClinVar (database versions not stated): ESP Exome Variant Server 0.00031; ExAC 0.00043; gnomAD exomes 0.00052 and 0.00024; 1000 Genomes Project 30x 0.00016; 1000 Genomes Project 0.00020; gnomAD 0.00024 and 0.00025; TOPMed 0.00030.
gnomAD v4.1: 408 of 1,613,952 alleles (0.025%); highest among the groups gnomAD compares: South Asian, 0.042%; 2 homozygotes.

Submissions (10):

CeGaT Center for Human Genetics Tuebingen
Classification: Likely benign. Last evaluated: 2026-08-01. Review status: criteria provided, single submitter. Criteria: CeGaT Center For Human Genetics Tuebingen Variant Classification Criteria Version 2. Collection method: clinical testing. Allele origin: germline. Affected: yes. Observed: 13 variant alleles.
Comment: MYH11: BS1

Labcorp Genetics (formerly Invitae), Labcorp
Classification: Benign for Aortic aneurysm, familial thoracic 4. Last evaluated: 2026-01-27. Review status: criteria provided, single submitter. Criteria: Invitae Variant Classification Sherloc (09022015). Collection method: clinical testing. Allele origin: germline.

Molecular Diagnostic Laboratory for Inherited Cardiovascular Disease, Montreal Heart Institute
Classification: Likely benign. Last evaluated: 2025-07-24. Review status: criteria provided, single submitter. Criteria: ACMG Guidelines, 2015. Collection method: clinical testing. Allele origin: germline. Affected: no.
Comment: BS1, BP6

Blueprint Genetics
Classification: Likely benign. Last evaluated: 2024-09-30. Review status: criteria provided, single submitter. Criteria: ACMG Guidelines, 2015. Collection method: clinical testing. Allele origin: germline.

GeneDx
Classification: Likely benign. Last evaluated: 2020-10-20. Review status: criteria provided, single submitter. Criteria: GeneDx Variant Classification Process June 2021. Collection method: clinical testing. Allele origin: germline. Affected: yes.
Comment: This variant is associated with the following publications: (PMID: 28679693)

Ambry Genetics
Classification: Likely benign for Familial thoracic aortic aneurysm and aortic dissection. Last evaluated: 2020-10-19. Review status: criteria provided, single submitter. Criteria: Ambry Variant Classification Scheme 2023. Collection method: clinical testing. Allele origin: germline.

Department of Vascular Biology, Beijing Anzhen Hospital
Classification: Uncertain significance for Isolated thoracic aortic aneurysm. Last evaluated: 2018-09-01. Review status: criteria provided, single submitter. Criteria: ACMG Guidelines, 2015. Collection method: research. Allele origin: germline. Affected: yes.

Color Diagnostics, LLC DBA Color Health
Classification: Benign for Familial thoracic aortic aneurysm and aortic dissection. Last evaluated: 2018-04-07. Review status: criteria provided, single submitter. Criteria: ACMG Guidelines, 2015. Collection method: clinical testing. Allele origin: germline.

CHEO Genetics Diagnostic Laboratory, Children's Hospital of Eastern Ontario
Classification: Benign for Familial thoracic aortic aneurysm and aortic dissection. Last evaluated: 2018-03-23. Review status: criteria provided, single submitter. Criteria: ACMG Guidelines, 2015. Collection method: clinical testing. Allele origin: germline.

Illumina Laboratory Services, Illumina
Classification: Uncertain significance for Aortic aneurysm, familial thoracic 4. Last evaluated: 2017-04-27. Review status: criteria provided, single submitter. Criteria: ICSL Variant Classification Criteria 13 December 2019. Collection method: clinical testing. Allele origin: germline.
Comment: This variant was observed as part of a predisposition screen in an ostensibly healthy population. A literature search was performed for the gene, cDNA change, and amino acid change (where applicable). Publications were found based on this search. However, the evidence from the literature, in combination with allele frequency data from public databases where available, was not sufficient to rule this variant in or out of causing disease. Therefore, this variant is classified as a variant of unknown significance.

Literature cited by the submitters: PubMed 26436109 (cited by Ambry Genetics and Illumina Laboratory Services, Illumina); PubMed 28679693 (cited by Ambry Genetics); PubMed 30122538 (cited by Ambry Genetics); PubMed 18391202 (cited by Illumina Laboratory Services, Illumina).